The following is an entry in ClinVar:

NM_000321.3(RB1):c.737T>G (p.Ile246Ser)

Gene: RB1 (RB transcriptional corepressor 1; plus strand). Cytogenetic location: 13q14.2.
Variant type: single nucleotide variant.
Coding change: c.737T>G on transcript NM_000321.3 (MANE Select); coding-DNA position 737, T replaced by G.
Protein change: p.Ile246Ser; replaces isoleucine 246 with serine.
Molecular consequence: missense variant.
Genome position (GRCh38, 1-based): chr13:48,362,833, T>G. VCF-style: chr13-48362833-T-G. GRCh37 (hg19) VCF-style: chr13-48936969-T-G.
Other names: c.737T>G, p.Ile246Ser (NM_001407165.1, NM_001407166.1); short protein forms I246S.
Identifiers: ClinVar variation 2698703 (VCV002698703.3), dbSNP rs2542181921, ClinGen allele CA388159274.

ClinVar aggregate classification (germline): Uncertain significance (1 of 4 stars; one submission).

Conditions:
Retinoblastoma (RB1). Also called: RETINOBLASTOMA, SOMATIC. Identifiers: Orphanet 790, MedGen C0035335, MeSH D012175, MONDO:0008380, OMIM 180200, HP:0009919. Disease mechanism: loss of function. Inheritance: Both sporadic and heritable forms are tested..

Submission:

Labcorp Genetics (formerly Invitae), Labcorp
Classification: Uncertain significance for Retinoblastoma. Last evaluated: 2023-01-12. Review status: criteria provided, single submitter. Criteria: Invitae Variant Classification Sherloc (09022015). Collection method: clinical testing. Allele origin: germline.
Comment: In summary, the available evidence is currently insufficient to determine the role of this variant in disease. Therefore, it has been classified as a Variant of Uncertain Significance. Advanced modeling of protein sequence and biophysical properties (such as structural, functional, and spatial information, amino acid conservation, physicochemical variation, residue mobility, and thermodynamic stability) performed at Invitae indicates that this missense variant is not expected to disrupt RB1 protein function. This variant has not been reported in the literature in individuals affected with RB1-related conditions. This variant is not present in population databases (gnomAD no frequency). This sequence change replaces isoleucine, which is neutral and non-polar, with serine, which is neutral and polar, at codon 246 of the RB1 protein (p.Ile246Ser).